The following is an entry in ClinVar:

ClinVar aggregate classification (germline): Uncertain significance. Review status: criteria provided, multiple submitters, no conflicts (2 of 4 stars). 2 submissions from 2 submitters: Uncertain significance (2). Last evaluated 2025-08-29.

Conditions:
Ataxia-telangiectasia-like disorder (ATLD). Identifiers: MedGen C1858391, MONDO:0011457.
Hereditary cancer-predisposing syndrome. Also called: Hereditary Cancer Syndrome; Hereditary neoplastic syndrome; Neoplastic Syndromes, Hereditary; Tumor predisposition. Identifiers: Orphanet 140162, MedGen C0027672, MeSH D009386, MONDO:0015356.

Allele frequency attached by ClinVar (database versions not stated): gnomAD exomes below 0.00001 and 0.00001; ExAC 0.00002.
gnomAD v4.1: 5 of 1,613,040 alleles (0.00031%); highest among the groups gnomAD compares: Non-Finnish European, 0.00042%; no homozygotes.

Submissions (2):

Ambry Genetics
Classification: Uncertain significance for Hereditary cancer-predisposing syndrome. Last evaluated: 2025-08-29. Review status: criteria provided, single submitter. Criteria: Ambry Variant Classification Scheme 2023. Collection method: clinical testing. Allele origin: germline.
Comment: The p.S98L variant (also known as c.293C>T), located in coding exon 3 of the MRE11A gene, results from a C to T substitution at nucleotide position 293. The serine at codon 98 is replaced by leucine, an amino acid with dissimilar properties. This amino acid position is not well conserved in available vertebrate species. In addition, the in silico prediction for this alteration is inconclusive. Since supporting evidence is limited at this time, the clinical significance of this alteration remains unclear.

Labcorp Genetics (formerly Invitae), Labcorp
Classification: Uncertain significance for Ataxia-telangiectasia-like disorder. Last evaluated: 2024-04-15. Review status: criteria provided, single submitter. Criteria: Invitae Variant Classification Sherloc (09022015). Collection method: clinical testing. Allele origin: germline.
Comment: This sequence change replaces serine, which is neutral and polar, with leucine, which is neutral and non-polar, at codon 98 of the MRE11A protein (p.Ser98Leu). This variant is present in population databases (rs766453484, gnomAD 0.002%). This variant has not been reported in the literature in individuals affected with MRE11A-related conditions. ClinVar contains an entry for this variant (Variation ID: 216611). An algorithm developed to predict the effect of missense changes on protein structure and function (PolyPhen-2) suggests that this variant is likely to be tolerated. In summary, the available evidence is currently insufficient to determine the role of this variant in disease. Therefore, it has been classified as a Variant of Uncertain Significance.

NM_005591.4(MRE11):c.293C>T (p.Ser98Leu)

Gene: MRE11 (MRE11 double strand break repair nuclease; minus strand). Cytogenetic location: 11q21.
Variant type: single nucleotide variant.
Coding change: c.293C>T on transcript NM_005591.4 (MANE Select); coding-DNA position 293, C replaced by T.
Protein change: p.Ser98Leu; replaces serine 98 with leucine.
Molecular consequence: missense variant.
Genome position (GRCh38, 1-based): chr11:94,485,945, G>A on the plus strand (C>T on the coding strand, the complement: MRE11 is on the minus strand). VCF-style: chr11-94485945-G-A. GRCh37 (hg19) VCF-style: chr11-94219111-G-A.
Other names: c.293C>T, p.Ser98Leu (NM_001330347.2, NM_005590.4); short protein forms S98L.
Identifiers: ClinVar variation 216611 (VCV000216611.14), dbSNP rs766453484, ClinGen allele CA338724.